The following is an entry in ClinVar:

ClinVar aggregate classification (germline): Uncertain significance (1 of 4 stars; one submission).

Conditions:
Brachyolmia-amelogenesis imperfecta syndrome. Also called: Tooth agenesis, selective, 6; Dental anomalies and short stature; PLATYSPONDYLY WITH AMELOGENESIS IMPERFECTA. Identifiers: Orphanet 2899, MedGen C1832594, MONDO:0011018, OMIM 601216. Disease mechanism: loss of function.

Submission:

Labcorp Genetics (formerly Invitae), Labcorp
Classification: Uncertain significance for Brachyolmia-amelogenesis imperfecta syndrome. Last evaluated: 2022-11-22. Review status: criteria provided, single submitter. Criteria: Invitae Variant Classification Sherloc (09022015). Collection method: clinical testing. Allele origin: germline.
Comment: This variant has not been reported in the literature in individuals affected with LTBP3-related conditions. In summary, the available evidence is currently insufficient to determine the role of this variant in disease. Therefore, it has been classified as a Variant of Uncertain Significance. Algorithms developed to predict the effect of missense changes on protein structure and function are either unavailable or do not agree on the potential impact of this missense change (SIFT: "Deleterious"; PolyPhen-2: "Possibly Damaging"; Align-GVGD: "Class C0"). This variant is not present in population databases (gnomAD no frequency). This sequence change replaces proline, which is neutral and non-polar, with serine, which is neutral and polar, at codon 776 of the LTBP3 protein (p.Pro776Ser).

NM_001130144.3(LTBP3):c.2326C>T (p.Pro776Ser)

Genes: LTBP3 (latent transforming growth factor beta binding protein 3; minus strand), LOC130006029 (ATAC-STARR-seq lymphoblastoid silent region 3532; plus strand). Cytogenetic location: 11q13.1.
Variant type: single nucleotide variant.
Coding change: c.2326C>T on transcript NM_001130144.3 (MANE Select); coding-DNA position 2326, C replaced by T.
Protein change: p.Pro776Ser; replaces proline 776 with serine.
Molecular consequence: missense variant.
Genome position (GRCh38, 1-based): chr11:65,546,469, G>A on the plus strand (C>T on the coding strand, the complement: LTBP3 is on the minus strand). VCF-style: chr11-65546469-G-A. GRCh37 (hg19) VCF-style: chr11-65313940-G-A.
Other names: c.1975C>T, p.Pro659Ser (NM_001164266.1); c.2326C>T, p.Pro776Ser (NM_021070.4); short protein forms P776S, P659S.
Identifiers: ClinVar variation 2072101 (VCV002072101.4), dbSNP rs2496147536, ClinGen allele CA381269625.